The following is an entry in ClinVar:

ClinVar aggregate classification (germline): Uncertain significance (1 of 4 stars; one submission).

Conditions:
Snijders Blok-Campeau syndrome. Also called: INTELLECTUAL DEVELOPMENTAL DISORDER WITH MACROCEPHALY, SPEECH DELAY, AND DYSMORPHIC FACIES. Identifiers: Orphanet 599082, MedGen C4748701, MONDO:0032600, OMIM 618205.

gnomAD v4.1: 14 of 1,613,950 alleles (0.00087%); highest among the groups gnomAD compares: African/African-American, 0.0027%; no homozygotes.

Submission:

Juno Genomics, Hangzhou Juno Genomics, Inc
Classification: Uncertain significance for Snijders Blok-Campeau syndrome. Review status: criteria provided, single submitter. Criteria: ACMG Guidelines, 2015. Collection method: clinical testing. Allele origin: germline.
Comment: Absent from controls (or at extremely low frequency if recessive) in Genome Aggregation Database.;Missense variant in a gene that has a low rate of benign missense variation.

NM_001005273.3(CHD3):c.4570G>A (p.Asp1524Asn)

Gene: CHD3 (chromodomain helicase DNA binding protein 3; plus strand). Cytogenetic location: 17p13.1.
Variant type: single nucleotide variant.
Coding change: c.4570G>A on transcript NM_001005273.3 (MANE Select); coding-DNA position 4570, G replaced by A.
Protein change: p.Asp1524Asn; replaces aspartic acid 1524 with asparagine.
Molecular consequence: missense variant.
Genome position (GRCh38, 1-based): chr17:7,906,935, G>A. VCF-style: chr17-7906935-G-A. GRCh37 (hg19) VCF-style: chr17-7810253-G-A.
Other names: c.4747G>A, p.Asp1583Asn (NM_001005271.3, NM_001437504.1); c.4735G>A, p.Asp1579Asn (NM_001437507.1, NM_001437508.1, NM_001437509.1); c.4570G>A, p.Asp1524Asn (NM_005852.4); short protein forms D1524N, D1583N, D1579N.
Identifiers: ClinVar variation 5005844 (VCV005005844.2).
Genomic context (GRCh38, chr17:7,906,935, plus strand): 5'-GAGTTTGAGCACATCAATGGGCGTTGGTCAATGCCGGAACTGATGCCTGACCCCAGCGCC[G>A]ATTCTAAGCGCTCCTCCAGAGCCTCCTCTCCTACCAAAACGTCTCCCACCACTCCTGAGG-3'
Protein context (NP_001005273.1, residues 1514-1534): MPELMPDPSA[Asp1524Asn]SKRSSRASSP